The following is an entry in ClinVar:

ClinVar aggregate classification (germline): Uncertain significance (1 of 4 stars; one submission).

Conditions:
Hereditary cancer-predisposing syndrome. Also called: Hereditary Cancer Syndrome; Hereditary neoplastic syndrome; Neoplastic Syndromes, Hereditary; Tumor predisposition. Identifiers: Orphanet 140162, MedGen C0027672, MeSH D009386, MONDO:0015356.

Submission:

Ambry Genetics
Classification: Uncertain significance for Hereditary cancer-predisposing syndrome. Last evaluated: 2021-12-17. Review status: criteria provided, single submitter. Criteria: Ambry Variant Classification Scheme 2023. Collection method: clinical testing. Allele origin: germline.
Comment: The p.Q48P variant (also known as c.143A>C), located in coding exon 1 of the DICER1 gene, results from an A to C substitution at nucleotide position 143. The glutamine at codon 48 is replaced by proline, an amino acid with similar properties. This amino acid position is highly conserved in available vertebrate species. In addition, this alteration is predicted to be deleterious by in silico analysis. Since supporting evidence is limited at this time, the clinical significance of this alteration remains unclear.

NM_177438.3(DICER1):c.143A>C (p.Gln48Pro)

Gene: DICER1 (dicer 1, ribonuclease III; minus strand). Cytogenetic location: 14q32.13.
Variant type: single nucleotide variant.
Coding change: c.143A>C on transcript NM_177438.3 (MANE Select); coding-DNA position 143, A replaced by C.
Protein change: p.Gln48Pro; replaces glutamine 48 with proline.
Molecular consequence: missense variant. On other transcripts: 5 prime UTR variant (8), non-coding transcript variant (6), intron variant (1).
Genome position (GRCh38, 1-based): chr14:95,133,316, T>G on the plus strand (A>C on the coding strand, the complement: DICER1 is on the minus strand). VCF-style: chr14-95133316-T-G. GRCh37 (hg19) VCF-style: chr14-95599653-T-G.
Other names: c.143A>C, p.Gln48Pro (NM_001195573.1, NM_001271282.3, NM_001291628.2 and 15 more transcripts); c.-132A>C (NM_001395686.1, NM_001395688.1, NM_001395689.1 and 3 more transcripts); c.-316A>C (NM_001395691.1); c.-1426A>C (NM_001395697.1); c.-130-639A>C (NM_001395687.1); short protein forms Q48P.
Identifiers: ClinVar variation 1772671 (VCV001772671.2), dbSNP rs2543387511, ClinGen allele CA390890323.
Genomic context (GRCh38, chr14:95,133,316, plus strand): 5'-TATGCTAATGTATTCCATTTTAGTGTAGAATGCTCCAGTATTAGTGTTCGCATTAGTACC[T>G]GATATTTTCTTGGCGTATAAATGTTATCATGAATTGCTTCTTGTTGCCATGGCAGTCCAA-3'
Protein context (NP_803187.1, residues 38-58): HDNIYTPRKY[Gln48Pro]VELLEAALDH